The following is an entry in ClinVar:

NM_004304.5(ALK):c.1390G>A (p.Gly464Arg)

Gene: ALK (ALK receptor tyrosine kinase; minus strand). Cytogenetic location: 2p23.2.
Variant type: single nucleotide variant.
Coding change: c.1390G>A on transcript NM_004304.5 (MANE Select); coding-DNA position 1390, G replaced by A.
Protein change: p.Gly464Arg; replaces glycine 464 with arginine.
Molecular consequence: missense variant.
Genome position (GRCh38, 1-based): chr2:29,328,374, C>T on the plus strand (G>A on the coding strand, the complement: ALK is on the minus strand). VCF-style: chr2-29328374-C-T. GRCh37 (hg19) VCF-style: chr2-29551240-C-T.
Other names: short protein forms G464R.
Identifiers: ClinVar variation 404393 (VCV000404393.20), dbSNP rs55706535, ClinGen allele CA1594671.

ClinVar aggregate classification (germline): Uncertain significance. Review status: criteria provided, multiple submitters, no conflicts (2 of 4 stars). 7 submissions from 7 submitters: Uncertain significance (6). 1 of the submissions does not count toward it. Last evaluated 2026-01-13.

Conditions:
ALK-related disorder. Also called: ALK-related condition.
Hereditary cancer-predisposing syndrome. Also called: Hereditary neoplastic syndrome; Tumor predisposition; Hereditary Cancer Syndrome; Neoplastic Syndromes, Hereditary. Identifiers: Orphanet 140162, MedGen C0027672, MeSH D009386, MONDO:0015356.
Neuroblastoma, susceptibility to, 3. Also called: ALK-Related Neuroblastic Tumor Susceptibility. Identifiers: Orphanet 635, MedGen C2751681, MONDO:0013083, OMIM 613014.

Allele frequency attached by ClinVar (database versions not stated): TOPMed 0.00006; gnomAD 0.00008 and 0.00009.

Submissions (7):

Labcorp Genetics (formerly Invitae), Labcorp
Classification: Uncertain significance for Neuroblastoma, susceptibility to, 3. Last evaluated: 2026-01-13. Review status: criteria provided, single submitter. Criteria: Invitae Variant Classification Sherloc (09022015). Collection method: clinical testing. Allele origin: germline.
Comment: This sequence change replaces glycine, which is neutral and non-polar, with arginine, which is basic and polar, at codon 464 of the ALK protein (p.Gly464Arg). This variant is present in population databases (rs55706535, gnomAD 0.005%). This variant has not been reported in the literature in individuals affected with ALK-related conditions. ClinVar contains an entry for this variant (Variation ID: 404393). An algorithm developed to predict the effect of missense changes on protein structure and function (PolyPhen-2) suggests that this variant is likely to be disruptive. In summary, the available evidence is currently insufficient to determine the role of this variant in disease. Therefore, it has been classified as a Variant of Uncertain Significance.

St. Jude Molecular Pathology, St. Jude Children's Research Hospital
Classification: Uncertain significance for Neuroblastoma, susceptibility to, 3. Last evaluated: 2025-06-17. Review status: criteria provided, single submitter. Criteria: St. Jude Assertion Criteria 2020. Collection method: clinical testing. Allele origin: germline.
Comment: The ALK c.1390G>A p.(Gly464Arg) missense change has a maximum subpopulation frequency of 0.0047% in gnomAD v2.1.1. The in silico tool REVEL is inconclusive about a pathogenic or benign effect of this variant on protein function, and to our knowledge functional studies have not been performed. To our knowledge, this variant has not been reported in the literature in individuals with ALK-related neuroblastic tumor susceptibility. In summary, the evidence currently available is insufficient to determine the clinical significance of this variant. It has therefore been classified as of uncertain significance.

Ambry Genetics
Classification: Uncertain significance for Hereditary cancer-predisposing syndrome. Last evaluated: 2024-12-14. Review status: criteria provided, single submitter. Criteria: Ambry Variant Classification Scheme 2023. Collection method: clinical testing. Allele origin: germline.
Comment: The p.G464R variant (also known as c.1390G>A), located in coding exon 6 of the ALK gene, results from a G to A substitution at nucleotide position 1390. The glycine at codon 464 is replaced by arginine, an amino acid with dissimilar properties. This amino acid position is highly conserved in available vertebrate species. In addition, this alteration is predicted to be deleterious by in silico analysis. Based on the available evidence, the clinical significance of this variant remains unclear.

GeneDx
Classification: Uncertain significance. Last evaluated: 2024-04-03. Review status: criteria provided, single submitter. Criteria: GeneDx Variant Classification Process June 2021. Collection method: clinical testing. Allele origin: germline.
Comment: In silico analysis supports that this missense variant has a deleterious effect on protein structure/function; Has not been previously published as pathogenic or benign to our knowledge

Baylor Genetics
Classification: Uncertain significance for Neuroblastoma, susceptibility to, 3. Last evaluated: 2023-11-07. Review status: criteria provided, single submitter. Criteria: ACMG Guidelines, 2015. Collection method: clinical testing. Allele origin: unknown.

Sema4
Classification: Uncertain significance for Hereditary cancer-predisposing syndrome. Last evaluated: 2021-06-13. Review status: criteria provided, single submitter. Criteria: Sema4 Curation Guidelines. Collection method: curation. Allele origin: germline.
Comment: The ALK c.1390G>A (p.G464R) variant has not been reported in the literature to our knowledge. It was observed in 6/128784 chromosomes of the Non-Finnish European subpopulation in the large and broad cohorts of the Genome Aggregation Database (PMID: 32461654). This variant has been reported in ClinVar (Variation ID:404393). Functional studies have not been performed, and in silico predictions of the variant's effect on protein function are inconclusive. The evidence is insufficient to meet ACMG/AMP criteria for classifying the variant as benign or pathogenic. Thus, the clinical significance of this variant is currently uncertain.

PreventionGenetics, part of Exact Sciences
Classification: Uncertain significance for ALK-related condition. Last evaluated: 2024-07-10. Review status: no assertion criteria provided. Collection method: clinical testing. Allele origin: germline. Not counted in ClinVar's aggregate classification.
Comment: The ALK c.1390G>A variant is predicted to result in the amino acid substitution p.Gly464Arg. To our knowledge, this variant has not been reported in the literature. This variant is reported in 0.0047% of alleles in individuals of European (Non-Finnish) descent in gnomAD. This alteration has been reported as a variant of uncertain significance by multiple labs in ClinVar. Although we suspect that this variant may be benign, at this time, the clinical significance of this variant is uncertain due to the absence of conclusive functional and genetic evidence.